The following is an entry in ClinVar:

NM_001044.5(SLC6A3):c.4A>G (p.Ser2Gly)

Gene: SLC6A3 (solute carrier family 6 member 3). Cytogenetic location: 5p15.33.
Variant type: single nucleotide variant.
Coding change: c.4A>G on transcript NM_001044.5 (MANE Select); coding-DNA position 4, A replaced by G.
Protein change: p.Ser2Gly; replaces serine 2 with glycine.
Molecular consequence: missense variant.
Genome position (GRCh38, 1-based): chr5:1,443,194, T>C on the plus strand (A>G on the coding strand, the complement: SLC6A3 is on the minus strand). VCF-style: chr5-1443194-T-C. GRCh37 (hg19) VCF-style: chr5-1443309-T-C.
Other names: short protein forms S2G.
Identifiers: ClinVar variation 4537960 (VCV004537960.1).

ClinVar aggregate classification (germline): Uncertain significance (1 of 4 stars; one submission).

gnomAD v4.1: 9 of 1,614,110 alleles (0.00056%); highest among the groups gnomAD compares: Non-Finnish European, 0.00059%; no homozygotes.

Submission:

GeneDx
Classification: Uncertain significance. Last evaluated: 2025-06-09. Review status: criteria provided, single submitter. Criteria: GeneDx Variant Classification Process June 2021. Collection method: clinical testing. Allele origin: germline. Affected: yes.
Comment: Not observed at significant frequency in large population cohorts (gnomAD); In silico analysis suggests that this missense variant does not alter protein structure/function; Has not been previously published as pathogenic or benign to our knowledge